The following is an entry in ClinVar:

ClinVar aggregate classification (germline): Uncertain significance (1 of 4 stars; one submission).

Submission:

GeneDx
Classification: Uncertain significance. Last evaluated: 2024-05-23. Review status: criteria provided, single submitter. Criteria: GeneDx Variant Classification Process June 2021. Collection method: clinical testing. Allele origin: germline. Affected: yes.
Comment: Not observed at significant frequency in large population cohorts (gnomAD); In silico analysis supports that this missense variant has a deleterious effect on protein structure/function; Has not been previously published as pathogenic or benign to our knowledge

NM_033028.5(BBS4):c.1271T>C (p.Leu424Ser)

Gene: BBS4 (Bardet-Biedl syndrome 4; plus strand). Cytogenetic location: 15q24.1.
Variant type: single nucleotide variant.
Coding change: c.1271T>C on transcript NM_033028.5 (MANE Select); coding-DNA position 1271, T replaced by C.
Protein change: p.Leu424Ser; replaces leucine 424 with serine.
Molecular consequence: missense variant. On other transcripts: non-coding transcript variant (2).
Genome position (GRCh38, 1-based): chr15:72,736,784, T>C. VCF-style: chr15-72736784-T-C. GRCh37 (hg19) VCF-style: chr15-73029125-T-C.
Other names: c.755T>C, p.Leu252Ser (NM_001252678.2); c.1202T>C, p.Leu401Ser (NM_001320665.2); short protein forms L252S, L401S, L424S.
Identifiers: ClinVar variation 2504393 (VCV002504393.2), dbSNP rs2543016129, ClinGen allele CA393080444.